The following is an entry in ClinVar:

NM_013447.4(ADGRE2):c.1085-3_1085-2del

Gene: ADGRE2 (adhesion G protein-coupled receptor E2; minus strand). Cytogenetic location: 19p13.12.
Variant type: Deletion.
Coding change: c.1085-3_1085-2del on transcript NM_013447.4 (MANE Select); 3 bases into the intron before coding-DNA position 1085 through the canonical splice acceptor site of the intron before coding-DNA position 1085, 2 bases deleted (TA; older notation c.1085-3_1085-2delTA).
Molecular consequence: splice acceptor variant.
Genome position (GRCh38, 1-based): chr19:14,756,347-14,756,348, TA deleted on the plus strand (TA on the coding strand, the reverse complement: ADGRE2 is on the minus strand); deleting any 2 consecutive bases within chr19:14,756,347-14,756,349 gives the same sequence; the c. name uses the placement nearest the transcript's 3' end. VCF-style (leftmost placement, unchanged base first): chr19-14756346-CTA-C. GRCh37 (hg19) VCF-style: chr19-14867158-CTA-C.
Other names: c.806-3_806-2del (NM_152917.2); c.938-3_938-2del (NM_152916.2); c.1085-3_1085-2del (NM_001271052.1).
Identifiers: ClinVar variation 3692134 (VCV003692134.2).

ClinVar aggregate classification (germline): Uncertain significance (1 of 4 stars; one submission).

Submission:

Labcorp Genetics (formerly Invitae), Labcorp
Classification: Uncertain significance. Last evaluated: 2024-02-17. Review status: criteria provided, single submitter. Criteria: Invitae Variant Classification Sherloc (09022015). Collection method: clinical testing. Allele origin: germline.
Comment: This sequence change falls in intron 11 of the ADGRE2 gene. It does not directly change the encoded amino acid sequence of the ADGRE2 protein. It affects a nucleotide within the consensus splice site. This variant is not present in population databases (gnomAD no frequency). This variant has not been reported in the literature in individuals affected with ADGRE2-related conditions. Variants that disrupt the consensus splice site are a relatively common cause of aberrant splicing (PMID: 17576681, 9536098). In summary, the available evidence is currently insufficient to determine the role of this variant in disease. Therefore, it has been classified as a Variant of Uncertain Significance.

Literature cited by the submitters: PubMed 17576681; PubMed 9536098.